The following is an entry in ClinVar:

ClinVar aggregate classification (germline): Uncertain significance (1 of 4 stars; one submission).

Conditions:
Hereditary cancer-predisposing syndrome. Also called: Neoplastic Syndromes, Hereditary; Tumor predisposition; Hereditary Cancer Syndrome; Hereditary neoplastic syndrome. Identifiers: Orphanet 140162, MedGen C0027672, MeSH D009386, MONDO:0015356.

Submission:

Ambry Genetics
Classification: Uncertain significance for Hereditary cancer-predisposing syndrome. Last evaluated: 2025-12-03. Review status: criteria provided, single submitter. Criteria: Ambry Variant Classification Scheme 2023. Collection method: clinical testing. Allele origin: germline.
Comment: The p.D1294A variant (also known as c.3881A>C), located in coding exon 25 of the RAD50 gene, results from an A to C substitution at nucleotide position 3881. The aspartic acid at codon 1294 is replaced by alanine, an amino acid with dissimilar properties. This amino acid position is conserved. In addition, the in silico prediction for this alteration is inconclusive. Based on the available evidence, the clinical significance of this variant remains unclear.

NM_005732.4(RAD50):c.3881A>C (p.Asp1294Ala)

Genes: TH2LCRR (T helper type 2 locus control region associated RNA; minus strand), RAD50 (RAD50 double strand break repair protein; plus strand). Cytogenetic location: 5q31.1.
Variant type: single nucleotide variant.
Coding change: c.3881A>C on transcript NM_005732.4 (MANE Select); coding-DNA position 3881, A replaced by C.
Protein change: p.Asp1294Ala; replaces aspartic acid 1294 with alanine.
Molecular consequence: missense variant.
Genome position (GRCh38, 1-based): chr5:132,642,306, A>C. VCF-style: chr5-132642306-A-C. GRCh37 (hg19) VCF-style: chr5-131977998-A-C.
Other names: short protein forms D1294A.
Identifiers: ClinVar variation 4678193 (VCV004678193.1).